The following is an entry in ClinVar:

ClinVar aggregate classification (germline): Uncertain significance (0 of 4 stars; one submission).

Conditions:
MRTFB-related disorder. Also called: MRTFB-Related Disorders; MRTFB related condition.

Submission:

PreventionGenetics, part of Exact Sciences
Classification: Uncertain significance for MRTFB-related condition. Last evaluated: 2024-02-07. Review status: no assertion criteria provided. Collection method: clinical testing. Allele origin: germline.
Comment: The MRTFB c.683C>G variant is predicted to result in the amino acid substitution p.Thr228Ser. To our knowledge, this variant has not been reported in the literature or in a large population database, indicating this variant is rare. At this time, the clinical significance of this variant is uncertain due to the absence of conclusive functional and genetic evidence.

NM_001308142.2(MRTFB):c.683C>G (p.Thr228Ser)

Gene: MRTFB (myocardin related transcription factor B; plus strand). Cytogenetic location: 16p13.12.
Variant type: single nucleotide variant.
Coding change: c.683C>G on transcript NM_001308142.2 (MANE Select); coding-DNA position 683, C replaced by G.
Protein change: p.Thr228Ser; replaces threonine 228 with serine.
Molecular consequence: missense variant.
Genome position (GRCh38, 1-based): chr16:14,218,988, C>G. VCF-style: chr16-14218988-C-G. GRCh37 (hg19) VCF-style: chr16-14312845-C-G.
Other names: c.650C>G, p.Thr217Ser (NM_001365411.2, NM_001365415.2); c.683C>G, p.Thr228Ser (NM_001365412.2, NM_014048.4); c.470C>G, p.Thr157Ser (NM_001365413.2, NM_001365414.2, NM_001365416.2); short protein forms T157S, T217S, T228S.
Identifiers: ClinVar variation 3034058 (VCV003034058.2), dbSNP rs747644210, ClinGen allele CA394813483.
Genomic context (GRCh38, chr16:14,218,988, plus strand): 5'-CAGCCGCGTCCCCAAGTGAGCCAAAAGTTAGTGAATCGCCATCTCCTGTGACTACAAACA[C>G]TCCAGCGCAGGTATTATCTTTCTGGTTTTGACCCCTAAAGAAAGAAAATGCCTTGTTTTT-3'
Protein context (NP_001295071.1, residues 218-238): SESPSPVTTN[Thr228Ser]PAQFASVSPT